The following is an entry in ClinVar:

NM_004444.5(EPHB4):c.1762A>G (p.Lys588Glu)

Gene: EPHB4 (EPH receptor B4; minus strand). Cytogenetic location: 7q22.1.
Variant type: single nucleotide variant.
Coding change: c.1762A>G on transcript NM_004444.5 (MANE Select); coding-DNA position 1762, A replaced by G.
Protein change: p.Lys588Glu; replaces lysine 588 with glutamic acid.
Molecular consequence: missense variant.
Genome position (GRCh38, 1-based): chr7:100,813,203, T>C on the plus strand (A>G on the coding strand, the complement: EPHB4 is on the minus strand). VCF-style: chr7-100813203-T-C. GRCh37 (hg19) VCF-style: chr7-100410825-T-C.
Other names: short protein forms K588E.
Identifiers: ClinVar variation 4018831 (VCV004018831.2).
Genomic context (GRCh38, chr7:100,813,203, plus strand): 5'-TTGCAAATTCCCTCACAGCCTCATTAGGGTCTTCATAAGTGAAGGGGTCGATGTAGACCT[T>C]AGTACCTGAGAAATCAGGCAGGGCCCCGTCAGCTGGGAATTAACTCCCACTGGACTCGGA-3'
Protein context (NP_004435.3, residues 578-598): HGQYLIGHGT[Lys588Glu]VYIDPFTYED

ClinVar aggregate classification (germline): Uncertain significance. Review status: criteria provided, multiple submitters, no conflicts (2 of 4 stars). 2 submissions from 2 submitters: Uncertain significance (2). Last evaluated 2025-10-19.

Conditions:
Cardiovascular phenotype. Identifiers: MedGen CN230736.

gnomAD v4.1: 3 of 1,601,890 alleles (0.00019%); highest among the groups gnomAD compares: East Asian, 0.0067%; no homozygotes.

Submissions (2):

Labcorp Genetics (formerly Invitae), Labcorp
Classification: Uncertain significance. Last evaluated: 2025-10-19. Review status: criteria provided, single submitter. Criteria: Invitae Variant Classification Sherloc (09022015). Collection method: clinical testing. Allele origin: germline.
Comment: This sequence change replaces lysine, which is basic and polar, with glutamic acid, which is acidic and polar, at codon 588 of the EPHB4 protein (p.Lys588Glu). This variant is present in population databases (no rsID available, gnomAD 0.06%). This variant has not been reported in the literature in individuals affected with EPHB4-related conditions. ClinVar contains an entry for this variant (Variation ID: 4018831). Invitae Evidence Modeling of protein sequence and biophysical properties (such as structural, functional, and spatial information, amino acid conservation, physicochemical variation, residue mobility, and thermodynamic stability) has been performed for this missense variant. However, the output from this modeling did not meet the statistical confidence thresholds required to predict the impact of this variant on EPHB4 protein function. In summary, the available evidence is currently insufficient to determine the role of this variant in disease. Therefore, it has been classified as a Variant of Uncertain Significance.

Ambry Genetics
Classification: Uncertain significance for Cardiovascular phenotype. Last evaluated: 2025-05-06. Review status: criteria provided, single submitter. Criteria: Ambry Variant Classification Scheme 2023. Collection method: clinical testing. Allele origin: germline.